The following is an entry in ClinVar:

NM_001099271.2(POC5):c.1381G>A (p.Ala461Thr)

Gene: POC5 (POC5 centriolar protein; minus strand). Cytogenetic location: 5q13.3.
Variant type: single nucleotide variant.
Coding change: c.1381G>A on transcript NM_001099271.2 (MANE Select); coding-DNA position 1381, G replaced by A.
Protein change: p.Ala461Thr; replaces alanine 461 with threonine.
Molecular consequence: missense variant.
Genome position (GRCh38, 1-based): chr5:75,685,233, C>T on the plus strand (G>A on the coding strand, the complement: POC5 is on the minus strand). VCF-style: chr5-75685233-C-T. GRCh37 (hg19) VCF-style: chr5-74981058-C-T.
Other names: c.1306G>A, p.Ala436Thr (NM_152408.3); short protein forms A461T, A436T.
Identifiers: ClinVar variation 2139832 (VCV002139832.4), dbSNP rs372819160, ClinGen allele CA3310330.

ClinVar aggregate classification (germline): Uncertain significance (1 of 4 stars; one submission).

Allele frequency attached by ClinVar (database versions not stated): gnomAD exomes 0.00005; TOPMed 0.00006; gnomAD 0.00013; ExAC 0.00017; 1000 Genomes Project 30x 0.00094; 1000 Genomes Project 0.00100.

Submission:

Labcorp Genetics (formerly Invitae), Labcorp
Classification: Uncertain significance. Last evaluated: 2024-03-04. Review status: criteria provided, single submitter. Criteria: Invitae Variant Classification Sherloc (09022015). Collection method: clinical testing. Allele origin: germline.
Comment: This sequence change replaces alanine, which is neutral and non-polar, with threonine, which is neutral and polar, at codon 461 of the POC5 protein (p.Ala461Thr). This variant is present in population databases (rs372819160, gnomAD 0.1%), and has an allele count higher than expected for a pathogenic variant. This variant has not been reported in the literature in individuals affected with POC5-related conditions. ClinVar contains an entry for this variant (Variation ID: 2139832). Algorithms developed to predict the effect of missense changes on protein structure and function output the following: SIFT: "Not Available"; PolyPhen-2: "Benign"; Align-GVGD: "Not Available". The threonine amino acid residue is found in multiple mammalian species, which suggests that this missense change does not adversely affect protein function. In summary, the available evidence is currently insufficient to determine the role of this variant in disease. Therefore, it has been classified as a Variant of Uncertain Significance.